The following is an entry in ClinVar:

NM_203447.4(DOCK8):c.4850A>G (p.Gln1617Arg)

Gene: DOCK8 (dedicator of cytokinesis 8; plus strand). Cytogenetic location: 9p24.3.
Variant type: single nucleotide variant.
Coding change: c.4850A>G on transcript NM_203447.4 (MANE Select); coding-DNA position 4850, A replaced by G.
Protein change: p.Gln1617Arg; replaces glutamine 1617 with arginine.
Molecular consequence: missense variant.
Genome position (GRCh38, 1-based): chr9:433,939, A>G. VCF-style: chr9-433939-A-G. GRCh37 (hg19) VCF-style: chr9-433939-A-G.
Other names: c.4550A>G, p.Gln1517Arg (NM_001190458.2); c.4646A>G, p.Gln1549Arg (NM_001193536.2); short protein forms Q1517R, Q1549R, Q1617R.
Identifiers: ClinVar variation 1043674 (VCV001043674.7), dbSNP rs140846364, ClinGen allele CA4959228.
Genomic context (GRCh38, chr9:433,939, plus strand): 5'-AGGAACTTCTCTGTAATCTGAATAGCATCTTATATGACACAGTGAAAATGAGGGAATTTC[A>G]GGAAGATCCTGAGATGCTTATGGATCTCATGTACAGGTAAGCTTTCCTGACACACTCAAG-3'
Protein context (NP_982272.2, residues 1607-1627): LYDTVKMREF[Gln1617Arg]EDPEMLMDLM

ClinVar aggregate classification (germline): Conflicting classifications of pathogenicity. Review status: criteria provided, conflicting classifications (1 of 4 stars). 2 submissions from 2 submitters: Uncertain significance (1); Likely benign (1). Last evaluated 2026-01-13.

Conditions:
Combined immunodeficiency due to DOCK8 deficiency (HIES2). Also called: HIES autosomal recessive; HYPER-IgE RECURRENT INFECTION SYNDROME 2, AUTOSOMAL RECESSIVE; HYPER-IgE SYNDROME 2, AUTOSOMAL RECESSIVE, WITH RECURRENT INFECTIONS; DOCK8 Deficiency; Hyper-IgE recurrent infection syndrome, autosomal recessive. Identifiers: Orphanet 217390, MedGen C4722305, MONDO:0009478, OMIM 243700.

Allele frequency attached by ClinVar (database versions not stated): gnomAD exomes 0.00003 and 0.00009; ExAC 0.00009; ESP Exome Variant Server 0.00015; gnomAD 0.00034 and 0.00036; TOPMed 0.00034.
gnomAD v4.1: 91 of 1,613,992 alleles (0.0056%); highest among the groups gnomAD compares: African/African-American, 0.12%; no homozygotes.

Submissions (2):

Women's Health and Genetics/Laboratory Corporation of America, LabCorp
Classification: Likely benign. Last evaluated: 2026-01-13. Review status: criteria provided, single submitter. Criteria: LabCorp Variant Classification Summary - May 2015. Collection method: clinical testing. Allele origin: germline.
Comment: Variant summary: DOCK8 c.4850A>G (p.Gln1617Arg) results in a conservative amino acid change in the encoded protein sequence. Algorithms developed to predict the effect of missense changes on protein structure and function are either unavailable or do not agree on the potential impact of this missense change. The variant allele was found at a frequency of 8.7e-05 in 251432 control chromosomes, predominantly at a frequency of 0.0014 within the African or African-American subpopulation in the gnomAD database. The observed variant frequency within African or African-American control individuals in the gnomAD database exceeds the estimated maximal expected allele frequency for disease-causing variants in DOCK8. To our knowledge, no occurrence of c.4850A>G in individuals affected with DOCK8-related conditions and no experimental evidence demonstrating its impact on protein function have been reported. The following publication has been ascertained in the context of this evaluation (PMID: 39423879). ClinVar contains an entry for this variant (Variation ID: 1043674). Based on the evidence outlined above, the variant was classified as likely benign.

Labcorp Genetics (formerly Invitae), Labcorp
Classification: Uncertain significance for Combined immunodeficiency due to DOCK8 deficiency. Last evaluated: 2022-09-19. Review status: criteria provided, single submitter. Criteria: Invitae Variant Classification Sherloc (09022015). Collection method: clinical testing. Allele origin: germline.
Comment: This sequence change replaces glutamine, which is neutral and polar, with arginine, which is basic and polar, at codon 1617 of the DOCK8 protein (p.Gln1617Arg). This variant is present in population databases (rs140846364, gnomAD 0.1%). This variant has not been reported in the literature in individuals affected with DOCK8-related conditions. ClinVar contains an entry for this variant (Variation ID: 1043674). Advanced modeling of protein sequence and biophysical properties (such as structural, functional, and spatial information, amino acid conservation, physicochemical variation, residue mobility, and thermodynamic stability) has been performed at Invitae for this missense variant, however the output from this modeling did not meet the statistical confidence thresholds required to predict the impact of this variant on DOCK8 protein function. In summary, the available evidence is currently insufficient to determine the role of this variant in disease. Therefore, it has been classified as a Variant of Uncertain Significance.

Literature cited by the submitters: PubMed 39423879 (cited by Women's Health and Genetics/Laboratory Corporation of America, LabCorp).